The following is an entry in ClinVar:

ClinVar aggregate classification (germline): Conflicting classifications of pathogenicity. Review status: criteria provided, conflicting classifications (1 of 4 stars). 3 submissions from 3 submitters: Uncertain significance (2); Likely benign (1). Last evaluated 2023-11-09.

Conditions:
Inborn genetic diseases. Identifiers: MedGen C0950123, MeSH D030342.

Allele frequency attached by ClinVar (database versions not stated): gnomAD 0.00001; gnomAD exomes 0.00001 and 0.00002; TOPMed 0.00001; ExAC 0.00005.
gnomAD v4.1: 20 of 1,446,376 alleles (0.0014%); highest among the groups gnomAD compares: East Asian, 0.052%; no homozygotes.

Submissions (3):

Ambry Genetics
Classification: Uncertain significance for Inborn genetic diseases. Last evaluated: 2023-11-09. Review status: criteria provided, single submitter. Criteria: Ambry Variant Classification Scheme 2023. Collection method: clinical testing. Allele origin: germline.

Labcorp Genetics (formerly Invitae), Labcorp
Classification: Uncertain significance. Last evaluated: 2022-10-18. Review status: criteria provided, single submitter. Criteria: Invitae Variant Classification Sherloc (09022015). Collection method: clinical testing. Allele origin: germline.
Comment: This sequence change replaces glycine, which is neutral and non-polar, with aspartic acid, which is acidic and polar, at codon 73 of the PUS1 protein (p.Gly73Asp). This variant is present in population databases (rs755540245, gnomAD 0.03%). This variant has not been reported in the literature in individuals affected with PUS1-related conditions. ClinVar contains an entry for this variant (Variation ID: 215042). Advanced modeling of protein sequence and biophysical properties (such as structural, functional, and spatial information, amino acid conservation, physicochemical variation, residue mobility, and thermodynamic stability) performed at Invitae indicates that this missense variant is not expected to disrupt PUS1 protein function. In summary, the available evidence is currently insufficient to determine the role of this variant in disease. Therefore, it has been classified as a Variant of Uncertain Significance.

GeneDx
Classification: Likely benign. Last evaluated: 2013-06-07. Review status: criteria provided, single submitter. Criteria: GeneDx Variant Classification (06012015). Collection method: clinical testing. Allele origin: germline. Affected: yes.
Comment: This variant is considered likely benign or benign based on one or more of the following criteria: it is a conservative change, it occurs at a poorly conserved position in the protein, it is predicted to be benign by multiple in silico algorithms, and/or has population frequency not consistent with disease.

NM_025215.6(PUS1):c.218G>A (p.Gly73Asp)

Gene: PUS1 (pseudouridine synthase 1; plus strand). Cytogenetic location: 12q24.33.
Variant type: single nucleotide variant.
Coding change: c.218G>A on transcript NM_025215.6 (MANE Select); coding-DNA position 218, G replaced by A.
Protein change: p.Gly73Asp; replaces glycine 73 with aspartic acid.
Molecular consequence: missense variant.
Genome position (GRCh38, 1-based): chr12:131,930,050, G>A. VCF-style: chr12-131930050-G-A. GRCh37 (hg19) VCF-style: chr12-132414595-G-A.
Other names: p.G73D:GGC>GAC; c.134G>A, p.Gly45Asp (NM_001002019.3, NM_001002020.3); short protein forms G45D, G73D.
Identifiers: ClinVar variation 215042 (VCV000215042.3), dbSNP rs755540245, ClinGen allele CA321775.